The following is an entry in ClinVar:

NM_001792.5(CDH2):c.2510A>T (p.Asn837Ile)

Genes: CDH2 (cadherin 2; minus strand), CDH2-AS1 (CDH2 antisense RNA 1; plus strand). Cytogenetic location: 18q12.1.
Variant type: single nucleotide variant.
Coding change: c.2510A>T on transcript NM_001792.5 (MANE Select); coding-DNA position 2510, A replaced by T.
Protein change: p.Asn837Ile; replaces asparagine 837 with isoleucine.
Molecular consequence: missense variant.
Genome position (GRCh38, 1-based): chr18:27,963,361, T>A on the plus strand (A>T on the coding strand, the complement: CDH2 is on the minus strand). VCF-style: chr18-27963361-T-A. GRCh37 (hg19) VCF-style: chr18-25543325-T-A.
Other names: c.2417A>T, p.Asn806Ile (NM_001308176.2); short protein forms N806I, N837I.
Identifiers: ClinVar variation 2883900 (VCV002883900.3), dbSNP rs200254151, ClinGen allele CA8923138.

ClinVar aggregate classification (germline): Uncertain significance (1 of 4 stars; one submission).

Allele frequency attached by ClinVar (database versions not stated): gnomAD 0.00001; ExAC 0.00004; ESP Exome Variant Server 0.00008; TOPMed 0.00002; gnomAD exomes 0.00006.
gnomAD v4.1: 92 of 1,613,908 alleles (0.0057%); highest among the groups gnomAD compares: Non-Finnish European, 0.0078%; no homozygotes.

Submission:

Labcorp Genetics (formerly Invitae), Labcorp
Classification: Uncertain significance. Last evaluated: 2025-11-08. Review status: criteria provided, single submitter. Criteria: Invitae Variant Classification Sherloc (09022015). Collection method: clinical testing. Allele origin: germline.
Comment: This sequence change replaces asparagine, which is neutral and polar, with isoleucine, which is neutral and non-polar, at codon 837 of the CDH2 protein (p.Asn837Ile). This variant is present in population databases (rs200254151, gnomAD 0.007%). This missense change has been observed in individual(s) with clinical features of CDH2-related conditions (internal data). ClinVar contains an entry for this variant (Variation ID: 2883900). An algorithm developed to predict the effect of missense changes on protein structure and function (PolyPhen-2) suggests that this variant is likely to be disruptive. In summary, the available evidence is currently insufficient to determine the role of this variant in disease. Therefore, it has been classified as a Variant of Uncertain Significance.